The following is an entry in ClinVar:

ClinVar aggregate classification (germline): Pathogenic/Likely pathogenic. Review status: criteria provided, multiple submitters, no conflicts (2 of 4 stars). 20 submissions from 19 submitters: Pathogenic (9); Likely pathogenic (6). 5 of the submissions do not count toward it. Last evaluated 2026-07-01.

Conditions:
Inherited breast cancer and ovarian cancer.
Inherited ovarian cancer (without breast cancer).
Hereditary cancer-predisposing syndrome. Also called: Tumor predisposition; Neoplastic Syndromes, Hereditary; Hereditary Cancer Syndrome; Hereditary neoplastic syndrome. Identifiers: Orphanet 140162, MedGen C0027672, MeSH D009386, MONDO:0015356.
Hereditary breast ovarian cancer syndrome. Also called: Hereditary breast and ovarian cancer syndrome (HBOC); Hereditary breast and ovarian cancer syndrome; Hereditary breast and ovarian cancer; Hereditary breast and/or ovarian cancer syndrome; Breast and ovarian cancer; BRCA1- and BRCA2-Associated Hereditary Breast and Ovarian Cancer. Identifiers: Orphanet 145, MedGen C0677776, MeSH D061325, MONDO:0003582. Disease mechanism: loss of function.
Breast-ovarian cancer, familial, susceptibility to, 1 (BROVCA1). Also called: OVARIAN CANCER, SUSCEPTIBILITY TO; BRCA1 Hereditary Breast and Ovarian Cancer. Identifiers: Orphanet 145, MedGen C2676676, MONDO:0011450, OMIM 604370. Disease mechanism: loss of function.
Malignant tumor of breast. Also called: Malignant breast neoplasm; Cancer breast. Identifiers: MedGen C0006142, MONDO:0007254. Disease mechanism: loss of function.

Allele frequency attached by ClinVar (database versions not stated): gnomAD exomes below 0.00001; ExAC 0.00001; TOPMed 0.00001.
gnomAD v4.1: 5 of 1,614,154 alleles (0.00031%); highest among the groups gnomAD compares: Non-Finnish European, 0.00042%; no homozygotes.

Submissions 1 to 8 of 20:

Cambridge Genomics Laboratory, East Genomic Laboratory Hub, NHS Genomic Medicine Service
Classification: Pathogenic for Inherited breast cancer and ovarian cancer. Last evaluated: 2026-07-01. Review status: criteria provided, single submitter. Criteria: ACGS Best Practice Guidelines for Variant Classification in Rare Disease 2020. Collection method: clinical testing. Allele origin: germline. Affected: yes.
Comment: PVS1_Strong,PS4_Very Strong,PM2_Supporting,PP4_Strong

Cambridge Genomics Laboratory, East Genomic Laboratory Hub, NHS Genomic Medicine Service
Classification: Pathogenic for Inherited ovarian cancer (without breast cancer). Last evaluated: 2025-09-25. Review status: criteria provided, single submitter. Criteria: ACGS Best Practice Guidelines for Variant Classification in Rare Disease 2020. Collection method: clinical testing. Allele origin: germline. Affected: yes.
Comment: PVS1,PS4_Very Strong,PM2_Supporting,PP4_Strong

Labcorp Genetics (formerly Invitae), Labcorp
Classification: Pathogenic for Hereditary breast ovarian cancer syndrome. Last evaluated: 2025-06-24. Review status: criteria provided, single submitter. Criteria: Invitae Variant Classification Sherloc (09022015). Collection method: clinical testing. Allele origin: germline.
Comment: This sequence change replaces alanine, which is neutral and non-polar, with glycine, which is neutral and non-polar, at codon 1623 of the BRCA1 protein (p.Ala1623Gly). RNA analysis indicates that this missense change induces altered splicing and may result in an absent or altered protein product. This variant is present in population databases (rs80356862, gnomAD 0.0009%). This missense change has been observed in individual(s) with breast and/or ovarian cancer (PMID: 12491499, 18312450, 22711857, 23210696, 26681312, 27208206, 29997359). ClinVar contains an entry for this variant (Variation ID: 37614). Invitae Evidence Modeling of protein sequence and biophysical properties (such as structural, functional, and spatial information, amino acid conservation, physicochemical variation, residue mobility, and thermodynamic stability) indicates that this missense variant is not expected to disrupt BRCA1 protein function with a negative predictive value of 95%. Studies have shown that this missense change results in activation of a cryptic splice site, and produces a non-functional protein and/or introduces a premature termination codon (PMID: 20513136, 27273131, 32123317; internal data). For these reasons, this variant has been classified as Pathogenic.

Color Diagnostics, LLC DBA Color Health
Classification: Pathogenic for Hereditary cancer-predisposing syndrome. Last evaluated: 2024-07-02. Review status: criteria provided, single submitter. Criteria: ACMG Guidelines, 2015. Collection method: clinical testing. Allele origin: germline.
Comment: This variant causes a C>G nucleotide substitution at position 4868 in exon 15 of the BRCA1 gene, creating a new splice donor site within the exon. RNA studies have shown that this variant results in splicing at the new splice donor site, causing the out-of-frame deletion of 119 nucleotides from the 3' end of exon 15, however sequencing has also demonstrated the splicing defect to be incomplete (PMID: 20513136, 27273131). This variant has been detected in approximately 5 individuals each affected with ovarian cancer or breast cancer (PMID: 12491499, 16685647, 18312450, 22711857, 26052229, 27208206, 29997359, 31869745; Color internal data). A multifactorial analysis has reported in a combined likelihood ratio for pathogenicity of 392.46, based on segregation, tumor pathology, family history and co-occurrence with pathogenic variant (PMID: 20513136, 26913838). This variant has been identified in 1/251384 chromosomes in the general population by the Genome Aggregation Database (gnomAD). Loss of BRCA1 function is a known mechanism of disease. Based on the available evidence, this variant is classified as Pathogenic.

Mayo Clinic Laboratories, Mayo Clinic
Classification: Likely pathogenic. Last evaluated: 2024-03-25. Review status: criteria provided, single submitter. Criteria: ACMG Guidelines, 2015. Collection method: clinical testing. Allele origin: germline. Observed: 1 variant allele.
Comment: PP1, PP3, PP4_strong

Baylor Genetics
Classification: Likely pathogenic for Breast-ovarian cancer, familial, susceptibility to, 1. Last evaluated: 2024-02-11. Review status: criteria provided, single submitter. Criteria: ACMG Guidelines, 2015. Collection method: clinical testing. Allele origin: unknown.

Ambry Genetics
Classification: Pathogenic for Hereditary cancer-predisposing syndrome. Last evaluated: 2023-03-22. Review status: criteria provided, single submitter. Criteria: Ambry Variant Classification Scheme 2023. Collection method: clinical testing. Allele origin: germline.
Comment: The c.4868C>G pathogenic mutation (also known as p.A1623G), located in coding exon 14 of the BRCA1 gene, results from a C to G substitution at nucleotide position 4868. The alanine at codon 1623 is replaced by glycine, an amino acid with similar properties. This mutation has been reported in individuals with hereditary breast and/or ovarian cancer (Walker LC et al. Hum. Mutat. 2010 Jun;31:E1484-505; Chiang HC et al. Exp. Hematol. Oncol. 2012 Oct;1:31; Alsop K et al. J. Clin. Oncol. 2012 Jul;30:2654-63; Byers H et al. Eur. J. Hum. Genet. 2016 11;24(11):1591-1597; Plaskocinska I et al. J Med Genet. 2016 10;53:655-61; Rebbeck TR et al. Hum Mutat. 2018 05;39:593-620; Gallardo-Rinc&oacute;n D et al. Transl Oncol. 2020 Feb;13:212-220). RT-PCR analyses in vitro and RNA analyses on patient samples have shown that this alteration aberrantly affects splicing, causing a truncated protein subject to nonsense mediated decay (Ambry internal data; Walker LC et al. Hum. Mutat. 2010 Jun;31:E1484-505; Byers H et al. Eur. J. Hum. Genet. 2016 11;24(11):1591-1597; Wai HA et al. Genet Med. 2020 06;22:1005-1014). Of note, this alteration is also designated as 4987C>G in some published literature. This variant is considered to be rare based on population cohorts in the Genome Aggregation Database (gnomAD). This nucleotide position is well conserved in available vertebrate species. Based on the available evidence, this alteration is classified as a pathogenic mutation.

Sema4
Classification: Likely pathogenic for Hereditary cancer-predisposing syndrome. Last evaluated: 2021-05-24. Review status: criteria provided, single submitter. Criteria: Sema4 Curation Guidelines. Collection method: curation. Allele origin: germline.
Comment: The BRCA1 c.4868C>G (p.A1623G) variant has been reported in heterozygosity in numerous individuals with breast and ovarian cancer (PMID: 12491499, 18312450, 23210696, 26681312, 29446198, 30322717, 31869745, 33471991). It is also known as 4987C>G in the literature. In silico tools suggest that this variant creates a cryptic donor splice site. This is supported by in vitro and RNA studies which demonstrate aberrant splicing, resulting in a 119 base pair deletion leading to a truncated protein (PMID: 20513136, 32123317). However, one study does suggest that the abnormal splicing may be incomplete due to the presence of full-length transcripts (PMID: 20513136). Functional assays evaluating the function of the missense variant in plasmid constructions similar to a full-length transcript have shown activity similar to wild type in human and yeast cell lines (PMID: 30765603). This variant was observed in 1/113886 chromosomes in the Non-Finnish European population according to the Genome Aggregation Database (PMID: 32461654). This variant has been reported in ClinVar (Variation ID: 37614). Based on the current evidence available, this variant is interpreted as likely pathogenic.

NM_007294.4(BRCA1):c.4868C>G (p.Ala1623Gly)

Gene: BRCA1 (BRCA1 DNA repair associated; minus strand). Cytogenetic location: 17q21.31.
Variant type: single nucleotide variant.
Coding change: c.4868C>G on transcript NM_007294.4 (MANE Select); coding-DNA position 4868, C replaced by G.
Protein change: p.Ala1623Gly; replaces alanine 1623 with glycine.
Molecular consequence: missense variant. On other transcripts: non-coding transcript variant (1).
Genome position (GRCh38, 1-based): chr17:43,071,046, G>C on the plus strand (C>G on the coding strand, the complement: BRCA1 is on the minus strand). VCF-style: chr17-43071046-G-C. GRCh37 (hg19) VCF-style: chr17-41223063-G-C.
Other names: p.A1623G:GCT>GGT; 4987C>G; c.1415C>G, p.Ala472Gly (NM_001408461.1, NM_001408462.1, NM_001408463.1 and 7 more transcripts); c.1412C>G, p.Ala471Gly (NM_001408468.1, NM_001408469.1, NM_001408470.1); c.1556C>G, p.Ala519Gly (NM_001408472.1, NM_007298.4, NM_007299.4 and 13 more transcripts); c.1553C>G, p.Ala518Gly (NM_001408473.1, NM_001408392.1, NM_001408396.1 and 8 more transcripts); c.1358C>G, p.Ala453Gly (NM_001408474.1); c.1355C>G, p.Ala452Gly (NM_001408475.1, NM_001408476.1); and 72 more; short protein forms A1623G, A519G, A1576G, A1644G, A1512G, A1534G, A1535G, A1556G.
Identifiers: ClinVar variation 37614 (VCV000037614.45), dbSNP rs80356862, ClinGen allele CA003058.
Genomic context (GRCh38, chr17:43,071,046, plus strand): 5'-GTTGAAGCTGTCAATTCTGGCTTCTCCCTGCTCACACTTTCTTCCATTGCATTATACCCA[G>C]CAGTATCAGTAGTATGAGCAGCAGCTGGACTCTGGGCAGATTCTGCAACTTTCAATTGGG-3'
Protein context (NP_009225.1, residues 1613-1633): SPAAAHTTDT[Ala1623Gly]GYNAMEESVS